The following is an entry in ClinVar:

ClinVar aggregate classification (germline): Uncertain significance (1 of 4 stars; one submission).

Submission:

Labcorp Genetics (formerly Invitae), Labcorp
Classification: Uncertain significance. Last evaluated: 2022-06-10. Review status: criteria provided, single submitter. Criteria: Invitae Variant Classification Sherloc (09022015). Collection method: clinical testing. Allele origin: germline.
Comment: Variants that disrupt the consensus splice site are a relatively common cause of aberrant splicing (PMID: 17576681, 9536098). Algorithms developed to predict the effect of sequence changes on RNA splicing suggest that this variant may disrupt the consensus splice site. This variant has not been reported in the literature in individuals affected with APOA5-related conditions. This variant is not present in population databases (gnomAD no frequency). This sequence change falls in intron 2 of the APOA5 gene. It does not directly change the encoded amino acid sequence of the APOA5 protein. It affects a nucleotide within the consensus splice site. In summary, the available evidence is currently insufficient to determine the role of this variant in disease. Therefore, it has been classified as a Variant of Uncertain Significance.

Literature cited by the submitters: PubMed 17576681; PubMed 9536098.

NM_001371904.1(APOA5):c.49+5G>A

Genes: APOA5 (apolipoprotein A5; minus strand), LOC108491825 (enhancer-blocking element 11-1-2 overlapping APOA5; plus strand). Cytogenetic location: 11q23.3.
Variant type: single nucleotide variant.
Coding change: c.49+5G>A on transcript NM_001371904.1 (MANE Select); 5 bases into the intron after coding-DNA position 49, G replaced by A.
Molecular consequence: intron variant.
Genome position (GRCh38, 1-based): chr11:116,791,807, C>T on the plus strand (G>A on the coding strand, the complement: APOA5 is on the minus strand). VCF-style: chr11-116791807-C-T. GRCh37 (hg19) VCF-style: chr11-116662523-C-T.
Other names: c.49+5G>A (NM_001166598.2, NM_052968.5).
Identifiers: ClinVar variation 1965965 (VCV001965965.5), dbSNP rs1565325680, ClinGen allele CA2574986447.